The following is an entry in ClinVar:

ClinVar aggregate classification (germline): Likely benign (0 of 4 stars; one submission).

Conditions:
LEPR-related disorder. Also called: LEPR-related condition; LEPR-related disorders.

gnomAD v4.1: 1 of 1,614,028 alleles (0.000062%); highest among the groups gnomAD compares: Middle Eastern, 0.017%; no homozygotes.

Submission:

PreventionGenetics, part of Exact Sciences
Classification: Likely benign for LEPR-related condition. Last evaluated: 2023-08-22. Review status: no assertion criteria provided. Collection method: clinical testing. Allele origin: germline.
Comment: This variant is classified as likely benign based on ACMG/AMP sequence variant interpretation guidelines (Richards et al. 2015 PMID: 25741868, with internal and published modifications).

NM_002303.6(LEPR):c.2841T>C (p.Asp947=)

Gene: LEPR (leptin receptor; plus strand). Cytogenetic location: 1p31.3.
Variant type: single nucleotide variant.
Coding change: c.2841T>C on transcript NM_002303.6 (MANE Select); coding-DNA position 2841, T replaced by C.
Protein change: p.Asp947=; no amino-acid change (aspartic acid 947 retained).
Molecular consequence: synonymous variant.
Genome position (GRCh38, 1-based): chr1:65,636,358, T>C. VCF-style: chr1-65636358-T-C. GRCh37 (hg19) VCF-style: chr1-66102041-T-C.
Identifiers: ClinVar variation 3357544 (VCV003357544.1).